The following is an entry in ClinVar:

ClinVar aggregate classification (germline): Uncertain significance (1 of 4 stars; one submission).

Conditions:
Cystic fibrosis (CF). Also called: MUCOVISCIDOSIS. Identifiers: Orphanet 586, MedGen C0010674, MONDO:0009061, OMIM 219700. Disease mechanism: loss of function.

Submission:

Ambry Genetics
Classification: Uncertain significance for Cystic fibrosis. Last evaluated: 2025-12-10. Review status: criteria provided, single submitter. Criteria: Ambry Variant Classification Scheme 2023. Collection method: clinical testing. Allele origin: germline.
Comment: The p.R697T variant (also known as c.2090G>C), located in coding exon 14 of the CFTR gene, results from a G to C substitution at nucleotide position 2090. The arginine at codon 697 is replaced by threonine, an amino acid with similar properties. This amino acid position is conserved. In addition, this alteration is predicted to be deleterious by in silico analysis. Based on the available evidence, the clinical significance of this variant remains unclear.

NM_000492.4(CFTR):c.2090G>C (p.Arg697Thr)

Gene: CFTR (CF transmembrane conductance regulator; plus strand). Cytogenetic location: 7q31.2.
Variant type: single nucleotide variant.
Coding change: c.2090G>C on transcript NM_000492.4 (MANE Select); coding-DNA position 2090, G replaced by C.
Protein change: p.Arg697Thr; replaces arginine 697 with threonine.
Molecular consequence: missense variant.
Genome position (GRCh38, 1-based): chr7:117,592,257, G>C. VCF-style: chr7-117592257-G-C. GRCh37 (hg19) VCF-style: chr7-117232311-G-C.
Other names: short protein forms R697T.
Identifiers: ClinVar variation 4651878 (VCV004651878.1).
Genomic context (GRCh38, chr7:117,592,257, plus strand): 5'-TCTCCTGGACAGAAACAAAAAAACAATCTTTTAAACAGACTGGAGAGTTTGGGGAAAAAA[G>C]GAAGAATTCTATTCTCAATCCAATCAACTCTATACGAAAATTTTCCATTGTGCAAAAGAC-3'
Protein context (NP_000483.3, residues 687-707): FKQTGEFGEK[Arg697Thr]KNSILNPINS